The following is an entry in ClinVar:

NM_032043.3(BRIP1):c.998A>G (p.Lys333Arg)

Gene: BRIP1 (BRCA1 interacting DNA helicase 1; minus strand). Cytogenetic location: 17q23.2.
Variant type: single nucleotide variant.
Coding change: c.998A>G on transcript NM_032043.3 (MANE Select); coding-DNA position 998, A replaced by G.
Protein change: p.Lys333Arg; replaces lysine 333 with arginine.
Molecular consequence: missense variant.
Genome position (GRCh38, 1-based): chr17:61,801,395, T>C on the plus strand (A>G on the coding strand, the complement: BRIP1 is on the minus strand). VCF-style: chr17-61801395-T-C. GRCh37 (hg19) VCF-style: chr17-59878756-T-C.
Other names: c.998A>G (NM_032043.2); short protein forms K333R.
Identifiers: ClinVar variation 1503513 (VCV001503513.10), dbSNP rs2145338700, ClinGen allele CA400484147.

ClinVar aggregate classification (germline): Uncertain significance. Review status: criteria provided, multiple submitters, no conflicts (2 of 4 stars). 2 submissions from 2 submitters: Uncertain significance (2). Last evaluated 2025-02-08.

Conditions:
Fanconi anemia complementation group J. Also called: BRIP1-Related Fanconi Anemia. Identifiers: Orphanet 84, MedGen C1836860, MONDO:0012187, OMIM 609054.
Familial cancer of breast. Also called: hereditary breast carcinoma; Hereditary breast cancer; BREAST CANCER, FAMILIAL. Identifiers: Orphanet 227535, MedGen C0346153, MONDO:0016419, OMIM 114480. Disease mechanism: loss of function.
Hereditary cancer-predisposing syndrome. Also called: Tumor predisposition; Hereditary neoplastic syndrome; Neoplastic Syndromes, Hereditary; Hereditary Cancer Syndrome. Identifiers: Orphanet 140162, MedGen C0027672, MeSH D009386, MONDO:0015356.

Submissions (2):

Ambry Genetics
Classification: Uncertain significance for Hereditary cancer-predisposing syndrome. Last evaluated: 2025-02-08. Review status: criteria provided, single submitter. Criteria: Ambry Variant Classification Scheme 2023. Collection method: clinical testing. Allele origin: germline.
Comment: The p.K333R variant (also known as c.998A>G), located in coding exon 7 of the BRIP1 gene, results from an A to G substitution at nucleotide position 998. The lysine at codon 333 is replaced by arginine, an amino acid with highly similar properties. This amino acid position is conserved. In addition, this alteration is predicted to be tolerated by in silico analysis. Based on the available evidence, the clinical significance of this variant remains unclear.

Labcorp Genetics (formerly Invitae), Labcorp
Classification: Uncertain significance for Familial cancer of breast; Fanconi anemia complementation group J. Last evaluated: 2021-07-04. Review status: criteria provided, single submitter. Criteria: Invitae Variant Classification Sherloc (09022015). Collection method: clinical testing. Allele origin: germline.
Comment: This sequence change replaces lysine with arginine at codon 333 of the BRIP1 protein (p.Lys333Arg). The lysine residue is weakly conserved and there is a small physicochemical difference between lysine and arginine. This variant is not present in population databases (ExAC no frequency). This variant has not been reported in the literature in individuals affected with BRIP1-related conditions. Algorithms developed to predict the effect of missense changes on protein structure and function output the following: SIFT: "Tolerated"; PolyPhen-2: "Benign"; Align-GVGD: "Class C0". The arginine amino acid residue is found in multiple mammalian species, which suggests that this missense change does not adversely affect protein function. In summary, the available evidence is currently insufficient to determine the role of this variant in disease. Therefore, it has been classified as a Variant of Uncertain Significance.